The following is an entry in ClinVar:

ClinVar aggregate classification (germline): Uncertain significance. Review status: criteria provided, multiple submitters, no conflicts (2 of 4 stars). 2 submissions from 2 submitters: Uncertain significance (2). Last evaluated 2025-10-03.

Allele frequency attached by ClinVar (database versions not stated): gnomAD 0.00021 and 0.00022; ESP Exome Variant Server 0.00023; TOPMed 0.00023; 1000 Genomes Project 30x 0.00031; gnomAD exomes 0.00031 and 0.00032; ExAC 0.00038; 1000 Genomes Project 0.00040.
gnomAD v4.1: 498 of 1,613,738 alleles (0.031%); highest among the groups gnomAD compares: Non-Finnish European, 0.038%; no homozygotes.

Submissions (2):

Labcorp Genetics (formerly Invitae), Labcorp
Classification: Uncertain significance. Last evaluated: 2025-10-03. Review status: criteria provided, single submitter. Criteria: Invitae Variant Classification Sherloc (09022015). Collection method: clinical testing. Allele origin: germline.
Comment: This sequence change replaces glycine, which is neutral and non-polar, with aspartic acid, which is acidic and polar, at codon 64 of the ASRGL1 protein (p.Gly64Asp). This variant is present in population databases (rs150970142, gnomAD 0.06%), and has an allele count higher than expected for a pathogenic variant. This variant has not been reported in the literature in individuals affected with ASRGL1-related conditions. ClinVar contains an entry for this variant (Variation ID: 842431). An algorithm developed to predict the effect of missense changes on protein structure and function (PolyPhen-2) suggests that this variant is likely to be disruptive. In summary, the available evidence is currently insufficient to determine the role of this variant in disease. Therefore, it has been classified as a Variant of Uncertain Significance.

Ambry Genetics
Classification: Uncertain significance. Last evaluated: 2024-04-22. Review status: criteria provided, single submitter. Criteria: Ambry Variant Classification Scheme 2023. Collection method: clinical testing. Allele origin: germline.

NM_001083926.2(ASRGL1):c.191G>A (p.Gly64Asp)

Gene: ASRGL1 (asparaginase and isoaspartyl peptidase 1; plus strand). Cytogenetic location: 11q12.3.
Variant type: single nucleotide variant.
Coding change: c.191G>A on transcript NM_001083926.2 (MANE Select); coding-DNA position 191, G replaced by A.
Protein change: p.Gly64Asp; replaces glycine 64 with aspartic acid.
Molecular consequence: missense variant.
Genome position (GRCh38, 1-based): chr11:62,356,325, G>A. VCF-style: chr11-62356325-G-A. GRCh37 (hg19) VCF-style: chr11-62123797-G-A.
Other names: c.191G>A, p.Gly64Asp (NM_025080.4); short protein forms G64D.
Identifiers: ClinVar variation 842431 (VCV000842431.10), dbSNP rs150970142, ClinGen allele CA6043120.